The following is an entry in ClinVar:

NM_001363711.2(DUOX2):c.94C>A (p.Pro32Thr)

Gene: DUOX2 (dual oxidase 2; minus strand). Cytogenetic location: 15q21.1.
Variant type: single nucleotide variant.
Coding change: c.94C>A on transcript NM_001363711.2 (MANE Select); coding-DNA position 94, C replaced by A.
Protein change: p.Pro32Thr; replaces proline 32 with threonine.
Molecular consequence: missense variant.
Genome position (GRCh38, 1-based): chr15:45,113,053, G>T on the plus strand (C>A on the coding strand, the complement: DUOX2 is on the minus strand). VCF-style: chr15-45113053-G-T. GRCh37 (hg19) VCF-style: chr15-45405251-G-T.
Other names: c.94C>A, p.Pro32Thr (NM_014080.5); short protein forms P32T.
Identifiers: ClinVar variation 3691833 (VCV003691833.2).

ClinVar aggregate classification (germline): Uncertain significance (1 of 4 stars; one submission).

gnomAD v4.1: 2 of 1,614,014 alleles (0.00012%); highest among the groups gnomAD compares: Non-Finnish European, 0.00017%; no homozygotes.

Submission:

Labcorp Genetics (formerly Invitae), Labcorp
Classification: Uncertain significance. Last evaluated: 2024-07-15. Review status: criteria provided, single submitter. Criteria: Invitae Variant Classification Sherloc (09022015). Collection method: clinical testing. Allele origin: germline.
Comment: This sequence change replaces proline, which is neutral and non-polar, with threonine, which is neutral and polar, at codon 32 of the DUOX2 protein (p.Pro32Thr). This variant is present in population databases (rs759506030, gnomAD 0.0009%). This variant has not been reported in the literature in individuals affected with DUOX2-related conditions. Advanced modeling of protein sequence and biophysical properties (such as structural, functional, and spatial information, amino acid conservation, physicochemical variation, residue mobility, and thermodynamic stability) performed at Invitae indicates that this missense variant is not expected to disrupt DUOX2 protein function with a negative predictive value of 95%. In summary, the available evidence is currently insufficient to determine the role of this variant in disease. Therefore, it has been classified as a Variant of Uncertain Significance.